The following is an entry in ClinVar:

ClinVar aggregate classification (germline): Uncertain significance (1 of 4 stars; one submission).

Submission:

GeneDx
Classification: Uncertain significance. Last evaluated: 2022-01-20. Review status: criteria provided, single submitter. Criteria: GeneDx Variant Classification Process June 2021. Collection method: clinical testing. Allele origin: germline. Affected: yes.
Comment: Not observed at significant frequency in large population cohorts (gnomAD); In silico analysis supports that this missense variant does not alter protein structure/function; Has not been previously published as pathogenic or benign to our knowledge

NM_001008537.3(NEXMIF):c.2578G>T (p.Asp860Tyr)

Gene: NEXMIF (neurite extension and migration factor; minus strand). Cytogenetic location: Xq13.3.
Variant type: single nucleotide variant.
Coding change: c.2578G>T on transcript NM_001008537.3 (MANE Select); coding-DNA position 2578, G replaced by T.
Protein change: p.Asp860Tyr; replaces aspartic acid 860 with tyrosine.
Molecular consequence: missense variant.
Genome position (GRCh38, 1-based): chrX:74,741,979, C>A on the plus strand (G>T on the coding strand, the complement: NEXMIF is on the minus strand). VCF-style: chrX-74741979-C-A. GRCh37 (hg19) VCF-style: chrX-73961814-C-A.
Other names: short protein forms D860Y.
Identifiers: ClinVar variation 1698127 (VCV001698127.2), dbSNP rs2147440111, ClinGen allele CA413667910.
Genomic context (GRCh38, chrX:74,741,979, plus strand): 5'-TTTTGAAGTTATGAGATGACTGCTGCAGCTCAGAGTCAGAGGATGAGGTGAGCACACAGT[C>A]CTGGGTAGGCTGGAGGGGTACAAATGATTTTTCGGTTTGAGTGAGGCTGCCTTCATTTTG-3'
Protein context (NP_001008537.1, residues 850-870): KSFVPLQPTQ[Asp860Tyr]CVLTSSSDSE